The following is an entry in ClinVar:

NM_002133.3(HMOX1):c.716G>A (p.Arg239Gln)

Gene: HMOX1 (heme oxygenase 1; plus strand). Cytogenetic location: 22q12.3.
Variant type: single nucleotide variant.
Coding change: c.716G>A on transcript NM_002133.3 (MANE Select); coding-DNA position 716, G replaced by A.
Protein change: p.Arg239Gln; replaces arginine 239 with glutamine.
Molecular consequence: missense variant.
Genome position (GRCh38, 1-based): chr22:35,389,943, G>A. VCF-style: chr22-35389943-G-A. GRCh37 (hg19) VCF-style: chr22-35785936-G-A.
Other names: c.716G>A (NM_002133.2); short protein forms R239Q.
Identifiers: ClinVar variation 1021224 (VCV001021224.5), dbSNP rs201083816, ClinGen allele CA10204804.
Genomic context (GRCh38, chr22:35,389,943, plus strand): 5'-AGCTGCTGACCCATGACACCAAGGACCAGAGCCCCTCACGGGCACCAGGGCTTCGCCAGC[G>A]GGCCAGCAACAAAGTGCAAGGTGAGAGCATCCAGGAAGGGGCACTTCCTCTGGGCTACAC-3'
Protein context (NP_002124.1, residues 229-249): SPSRAPGLRQ[Arg239Gln]ASNKVQDSAP

ClinVar aggregate classification (germline): Uncertain significance. Review status: criteria provided, multiple submitters, no conflicts (2 of 4 stars). 2 submissions from 2 submitters: Uncertain significance (2). Last evaluated 2024-10-04.

Allele frequency attached by ClinVar (database versions not stated): gnomAD exomes 0.00003 and 0.00007; TOPMed 0.00008; ExAC 0.00010; gnomAD 0.00011 and 0.00012; ESP Exome Variant Server 0.00015.
gnomAD v4.1: 63 of 1,611,204 alleles (0.0039%); highest among the groups gnomAD compares: Admixed American, 0.015%; no homozygotes.

Submissions (2):

Ambry Genetics
Classification: Uncertain significance. Last evaluated: 2024-10-04. Review status: criteria provided, single submitter. Criteria: Ambry Variant Classification Scheme 2023. Collection method: clinical testing. Allele origin: germline.

Labcorp Genetics (formerly Invitae), Labcorp
Classification: Uncertain significance. Last evaluated: 2022-09-27. Review status: criteria provided, single submitter. Criteria: Invitae Variant Classification Sherloc (09022015). Collection method: clinical testing. Allele origin: germline.
Comment: This sequence change replaces arginine, which is basic and polar, with glutamine, which is neutral and polar, at codon 239 of the HMOX1 protein (p.Arg239Gln). This variant is present in population databases (rs201083816, gnomAD 0.01%). This variant has not been reported in the literature in individuals affected with HMOX1-related conditions. ClinVar contains an entry for this variant (Variation ID: 1021224). Algorithms developed to predict the effect of missense changes on protein structure and function output the following: SIFT: "Deleterious"; PolyPhen-2: "Benign"; Align-GVGD: "Class C0". The glutamine amino acid residue is found in multiple mammalian species, which suggests that this missense change does not adversely affect protein function. Algorithms developed to predict the effect of sequence changes on RNA splicing suggest that this variant may create or strengthen a splice site. In summary, the available evidence is currently insufficient to determine the role of this variant in disease. Therefore, it has been classified as a Variant of Uncertain Significance.